The following is an entry in ClinVar:

NM_022835.3(PLEKHG2):c.3994C>T (p.Arg1332Trp)

Gene: PLEKHG2 (pleckstrin homology and RhoGEF domain containing G2; plus strand). Cytogenetic location: 19q13.2.
Variant type: single nucleotide variant.
Coding change: c.3994C>T on transcript NM_022835.3 (MANE Select); coding-DNA position 3994, C replaced by T.
Protein change: p.Arg1332Trp; replaces arginine 1332 with tryptophan.
Molecular consequence: missense variant. On other transcripts: intron variant (2).
Genome position (GRCh38, 1-based): chr19:39,425,127, C>T. VCF-style: chr19-39425127-C-T. GRCh37 (hg19) VCF-style: chr19-39915767-C-T.
Other names: c.3573-111C>T (NM_001351693.2); c.1678-111C>T (NM_001351694.2); short protein forms R1332W.
Identifiers: ClinVar variation 4849698 (VCV004849698.1).

ClinVar aggregate classification (germline): Uncertain significance (1 of 4 stars; one submission).

Conditions:
Leukodystrophy and acquired microcephaly with or without dystonia;. Also called: Leukodystrophy and acquired microcephaly with or without dystonia. Identifiers: MedGen C4225213, MONDO:0014766, OMIM 616763.

gnomAD v4.1: 24 of 1,585,472 alleles (0.0015%); highest among the groups gnomAD compares: South Asian, 0.014%; 1 homozygote.

Submission:

Diagnostics Services (NGS), CSIR - Centre For Cellular And Molecular Biology
Classification: Uncertain significance for Leukodystrophy and acquired microcephaly with or without dystonia;. Last evaluated: 2026-02-19. Review status: criteria provided, single submitter. Criteria: ACMG Guidelines, 2015. Collection method: clinical testing. Allele origin: germline. Affected: yes. Observed: 1 variant allele, 1 heterozygote.
Comment: The c.3994C>T variant is not present in EVS and Indian Exome Database. The variant is present in 1000 Genomes, gnomAD and in our internal database at low frequencies. This variant has not been published in the literature for PLEKHG2-related conditions nor reported to clinical databases like HGMD, ClinVar or OMIM in any affected individuals. In-silico pathogenicity prediction programs like Polyphen-2, MutationTaster2, CADD, etc predicted this variant to be likely deleterious, however these predictions were not confirmed by published functional studies. This variant harbours another heterozygous variant (c.3455T>C) in this gene.